The following is an entry in ClinVar:

NM_000368.5(TSC1):c.720T>G (p.His240Gln)

Gene: TSC1 (TSC complex subunit 1; minus strand). Cytogenetic location: 9q34.13.
Variant type: single nucleotide variant.
Coding change: c.720T>G on transcript NM_000368.5 (MANE Select); coding-DNA position 720, T replaced by G.
Protein change: p.His240Gln; replaces histidine 240 with glutamine.
Molecular consequence: missense variant.
Genome position (GRCh38, 1-based): chr9:132,921,380, A>C on the plus strand (T>G on the coding strand, the complement: TSC1 is on the minus strand). VCF-style: chr9-132921380-A-C. GRCh37 (hg19) VCF-style: chr9-135796767-A-C.
Other names: c.720T>G, p.His240Gln (NM_001162426.2); c.567T>G, p.His189Gln (NM_001162427.2); c.357T>G, p.His119Gln (NM_001362177.2); short protein forms H119Q, H189Q, H240Q.
Identifiers: ClinVar variation 1004712 (VCV001004712.15), dbSNP rs779872953, ClinGen allele CA038590.

ClinVar aggregate classification (germline): Conflicting classifications of pathogenicity. Review status: criteria provided, conflicting classifications (1 of 4 stars). 5 submissions from 5 submitters: Uncertain significance (2); Likely benign (3). Last evaluated 2025-06-17.

Conditions:
Tuberous sclerosis syndrome (TSC). Also called: Tuberous sclerosis; Tuberous Sclerosis Complex. Identifiers: Orphanet 805, MedGen C0041341, MONDO:0001734.
Tuberous sclerosis 1 (TSC1). Identifiers: Orphanet 805, MedGen C1854465, MONDO:0008612, OMIM 191100.
Hereditary cancer-predisposing syndrome. Also called: Hereditary neoplastic syndrome; Neoplastic Syndromes, Hereditary; Tumor predisposition; Hereditary Cancer Syndrome. Identifiers: Orphanet 140162, MedGen C0027672, MeSH D009386, MONDO:0015356.

Allele frequency attached by ClinVar (database versions not stated): ExAC 0.00002; gnomAD exomes 0.00002.
gnomAD v4.1: 3 of 1,614,186 alleles (0.00019%); highest among the groups gnomAD compares: Admixed American, 0.005%; no homozygotes.

Submissions (5):

Labcorp Genetics (formerly Invitae), Labcorp
Classification: Likely benign for Tuberous sclerosis 1. Last evaluated: 2025-06-17. Review status: criteria provided, single submitter. Criteria: Invitae Variant Classification Sherloc (09022015). Collection method: clinical testing. Allele origin: germline.

All of Us Research Program, National Institutes of Health
Classification: Uncertain significance for Tuberous sclerosis syndrome. Last evaluated: 2024-09-23. Review status: criteria provided, single submitter. Criteria: ACMG Guidelines, 2015. Collection method: clinical testing. Allele origin: germline. Inheritance: Autosomal dominant inheritance. Observed: 2 variant alleles, 2 heterozygotes.
Comment: This missense variant replaces histidine with glutamine at codon 240 of the TSC1 protein. Computational prediction is inconclusive regarding the impact of this variant on protein structure and function (internally defined REVEL score threshold 0.5 < inconclusive < 0.7, PMID: 27666373). To our knowledge, functional studies have not been reported for this variant. This variant has not been reported in individuals affected with hereditary cancer in the literature. This variant has been identified in 4/251406 chromosomes in the general population by the Genome Aggregation Database (gnomAD). The available evidence is insufficient to determine the role of this variant in disease conclusively. Therefore, this variant is classified as a Variant of Uncertain Significance.

This study involves interpretation of variants in research participants for the purpose of population health screening. Participant phenotype was not available at the time of variant classification. Additional details can be found in publication PMID: 35346344, PMCID: PMC8962531

Myriad Genetics, Inc.
Classification: Likely benign for Tuberous sclerosis 1. Last evaluated: 2023-09-05. Review status: criteria provided, single submitter. Criteria: Myriad Autosomal Dominant, Autosomal Recessive and X-Linked Classification Criteria (2023). Collection method: clinical testing. Allele origin: unknown.
Comment: This variant is considered likely benign. Homozygosity has been confirmed in one or more individuals. As homozygosity for pathogenic variants in this gene is generally assumed to result in embryonic lethality, this variant is unlikely to be pathogenic.

Ambry Genetics
Classification: Likely benign for Hereditary cancer-predisposing syndrome. Last evaluated: 2022-10-15. Review status: criteria provided, single submitter. Criteria: Ambry Variant Classification Scheme 2023. Collection method: clinical testing. Allele origin: germline.

Sema4
Classification: Uncertain significance for Hereditary cancer-predisposing syndrome. Last evaluated: 2021-12-13. Review status: criteria provided, single submitter. Criteria: Sema4 Curation Guidelines. Collection method: curation. Allele origin: germline.
Comment: The TSC1 c.720T>G (p.H240Q) variant has not been reported in the literature to our knowledge. It was observed in 4/34580 chromosomes of the Latino subpopulation in the large and broad cohorts of the Genome Aggregation Database (PMID: 32461654). The variant has been reported in ClinVar (Variation ID: 1004712). Functional studies have not been performed, and in silico predictions of the variant's effect on protein function are inconclusive. The evidence is insufficient to meet ACMG/AMP criteria for classifying the variant as benign or pathogenic. Thus, the clinical significance of this variant is currently uncertain.